The following is an entry in ClinVar:

NM_002230.4(JUP):c.2083G>A (p.Asp695Asn)

Gene: JUP (junction plakoglobin; minus strand). Cytogenetic location: 17q21.2.
Variant type: single nucleotide variant.
Coding change: c.2083G>A on transcript NM_002230.4 (MANE Select); coding-DNA position 2083, G replaced by A.
Protein change: p.Asp695Asn; replaces aspartic acid 695 with asparagine.
Molecular consequence: missense variant.
Genome position (GRCh38, 1-based): chr17:41,756,178, C>T on the plus strand (G>A on the coding strand, the complement: JUP is on the minus strand). VCF-style: chr17-41756178-C-T. GRCh37 (hg19) VCF-style: chr17-39912430-C-T.
Other names: c.2083G>A, p.Asp695Asn (NM_001352773.2, NM_001352774.2, NM_001352775.2 and 3 more transcripts); short protein forms D695N.
Identifiers: ClinVar variation 1315443 (VCV001315443.2), dbSNP rs1424685853, ClinGen allele CA399490871.

ClinVar aggregate classification (germline): Uncertain significance (1 of 4 stars; one submission).

Allele frequency attached by ClinVar (database versions not stated): gnomAD exomes below 0.00001; gnomAD 0.00001; TOPMed 0.00001.
gnomAD v4.1: 6 of 1,613,748 alleles (0.00037%); highest among the groups gnomAD compares: African/African-American, 0.0013%; no homozygotes.

Submission:

GeneDx
Classification: Uncertain significance. Last evaluated: 2020-02-11. Review status: criteria provided, single submitter. Criteria: GeneDx Variant Classification Process June 2021. Collection method: clinical testing. Allele origin: germline. Affected: yes.
Comment: Has not been previously published as pathogenic or benign to our knowledge; Not observed at a significant frequency in large population cohorts (Lek et al., 2016); In silico analysis supports that this missense variant does not alter protein structure/function